The following is an entry in ClinVar:

NM_000512.5(GALNS):c.265G>T (p.Gly89Ter)

Gene: GALNS (galactosamine (N-acetyl)-6-sulfatase; minus strand). Cytogenetic location: 16q24.3.
Variant type: single nucleotide variant.
Coding change: c.265G>T on transcript NM_000512.5 (MANE Select); coding-DNA position 265, G replaced by T.
Protein change: p.Gly89Ter; replaces glycine 89 with a stop codon.
Molecular consequence: nonsense. On other transcripts: 5 prime UTR variant (1).
Genome position (GRCh38, 1-based): chr16:88,841,951, C>A on the plus strand (G>T on the coding strand, the complement: GALNS is on the minus strand). VCF-style: chr16-88841951-C-A. GRCh37 (hg19) VCF-style: chr16-88908359-C-A.
Other names: c.-291G>T (NM_001323543.2); c.283G>T, p.Gly95Ter (NM_001323544.2); short protein forms G89*, G95*.
Identifiers: ClinVar variation 1048448 (VCV001048448.3), dbSNP rs1160480473, ClinGen allele CA397089321.
Genomic context (GRCh38, chr16:88,841,951, plus strand): 5'-GCCTACCGTTTCTGGCATGGGCGTTGGTGGTGTAGAAGCCATTGCGGATGGGTAGCCGTC[C>A]TGTGAGCAGTGCCGCCCTCGCTATGTGGAGGTGACAGAAACAGAAACTGGATAAGAAGGG-3'

ClinVar aggregate classification (germline): Likely pathogenic (1 of 4 stars; one submission).

Conditions:
Mucopolysaccharidosis, MPS-IV-A (MPS4A). Also called: Mucopolysaccharidosis type IV A; Mucopolysaccharidosis Type IVA; Morquio syndrome A, mild; MORQUIO SYNDROME A; MPS IVA; mucopolysaccharidosis type 4A. Identifiers: Orphanet 309297, Orphanet 582, MedGen C0086651, MONDO:0009659, OMIM 253000.

Submission:

Laboratory of Diagnosis and Therapy of Lysosomal Disorders, University of Padova
Classification: Likely pathogenic for Mucopolysaccharidosis, MPS-IV-A. Last evaluated: 2021-02-01. Review status: criteria provided, single submitter. Criteria: ACMG Guidelines, 2015. Collection method: research. Allele origin: germline. Affected: yes.
Comment: Nonsense variant (PVS1_very strong); Absent from gnomAD v2.1.1 (PM2_moderate)

Literature cited by the submitters: PubMed 34387910.